The following is an entry in ClinVar:

ClinVar aggregate classification (germline): Uncertain significance (1 of 4 stars; one submission).

Conditions:
Hypohidrotic X-linked ectodermal dysplasia (XHED). Also called: ECTODERMAL DYSPLASIA 1; Anhidrotic ectodermal dysplasia X-linked; Christ Siemens Touraine syndrome; ECTODERMAL DYSPLASIA 1, HYPOHIDROTIC/HAIR/TOOTH TYPE, X-LINKED; ECTODERMAL DYSPLASIA 1, HYPOHIDROTIC, X-LINKED; ECTODERMAL DYSPLASIA, HYPOHIDROTIC, 1. Identifiers: Orphanet 181, Orphanet 238468, MedGen C0162359, MONDO:0010585, OMIM 305100.

Submission:

Labcorp Genetics (formerly Invitae), Labcorp
Classification: Uncertain significance for Hypohidrotic X-linked ectodermal dysplasia. Last evaluated: 2022-12-31. Review status: criteria provided, single submitter. Criteria: Invitae Variant Classification Sherloc (09022015). Collection method: clinical testing. Allele origin: germline.
Comment: In summary, the available evidence is currently insufficient to determine the role of this variant in disease. Therefore, it has been classified as a Variant of Uncertain Significance. Advanced modeling of protein sequence and biophysical properties (such as structural, functional, and spatial information, amino acid conservation, physicochemical variation, residue mobility, and thermodynamic stability) performed at Invitae indicates that this missense variant is expected to disrupt EDA protein function. This variant has not been reported in the literature in individuals affected with EDA-related conditions. This variant is not present in population databases (gnomAD no frequency). This sequence change replaces isoleucine, which is neutral and non-polar, with phenylalanine, which is neutral and non-polar, at codon 371 of the EDA protein (p.Ile371Phe).

NM_001399.5(EDA):c.1111A>T (p.Ile371Phe)

Gene: EDA (ectodysplasin A; plus strand). Cytogenetic location: Xq13.1.
Variant type: single nucleotide variant.
Coding change: c.1111A>T on transcript NM_001399.5 (MANE Select); coding-DNA position 1111, A replaced by T.
Protein change: p.Ile371Phe; replaces isoleucine 371 with phenylalanine.
Molecular consequence: missense variant.
Genome position (GRCh38, 1-based): chrX:70,035,544, A>T. VCF-style: chrX-70035544-A-T. GRCh37 (hg19) VCF-style: chrX-69255394-A-T.
Other names: c.1105A>T, p.Ile369Phe (NM_001005609.2); c.1096A>T, p.Ile366Phe (NM_001005612.3); short protein forms I366F, I369F, I371F.
Identifiers: ClinVar variation 2825570 (VCV002825570.3), dbSNP rs2520347237, ClinGen allele CA413450318.